The following is an entry in ClinVar:

NM_000283.4(PDE6B):c.2191A>G (p.Lys731Glu)

Gene: PDE6B (phosphodiesterase 6B; plus strand). Cytogenetic location: 4p16.3.
Variant type: single nucleotide variant.
Coding change: c.2191A>G on transcript NM_000283.4 (MANE Select); coding-DNA position 2191, A replaced by G.
Protein change: p.Lys731Glu; replaces lysine 731 with glutamic acid.
Molecular consequence: missense variant.
Genome position (GRCh38, 1-based): chr4:664,942, A>G. VCF-style: chr4-664942-A-G. GRCh37 (hg19) VCF-style: chr4-658731-A-G.
Other names: c.1354A>G, p.Lys452Glu (NM_001350154.3, NM_001379246.1, NM_001379247.1 and 1 more transcripts); c.1036A>G, p.Lys346Glu (NM_001350155.3); c.2191A>G, p.Lys731Glu (NM_001145291.2); short protein forms K346E, K731E, K452E.
Identifiers: ClinVar variation 2821575 (VCV002821575.3), dbSNP rs1737613987, ClinGen allele CA355919813.

ClinVar aggregate classification (germline): Uncertain significance (1 of 4 stars; one submission).

Submission:

Labcorp Genetics (formerly Invitae), Labcorp
Classification: Uncertain significance. Last evaluated: 2022-12-23. Review status: criteria provided, single submitter. Criteria: Invitae Variant Classification Sherloc (09022015). Collection method: clinical testing. Allele origin: germline.
Comment: In summary, the available evidence is currently insufficient to determine the role of this variant in disease. Therefore, it has been classified as a Variant of Uncertain Significance. Algorithms developed to predict the effect of sequence changes on RNA splicing suggest that this variant may create or strengthen a splice site. Algorithms developed to predict the effect of missense changes on protein structure and function are either unavailable or do not agree on the potential impact of this missense change (SIFT: "Deleterious"; PolyPhen-2: "Probably Damaging"; Align-GVGD: "Class C15"). This variant has not been reported in the literature in individuals affected with PDE6B-related conditions. This variant is not present in population databases (gnomAD no frequency). This sequence change replaces lysine, which is basic and polar, with glutamic acid, which is acidic and polar, at codon 731 of the PDE6B protein (p.Lys731Glu).